The following is an entry in ClinVar:

ClinVar aggregate classification (germline): Likely benign. Review status: criteria provided, multiple submitters, no conflicts (2 of 4 stars). 3 submissions from 3 submitters: Likely benign (3). Last evaluated 2026-01-01.

Allele frequency attached by ClinVar (database versions not stated): ExAC 0.00002; gnomAD exomes 0.00005 and 0.00011; TOPMed 0.00007; gnomAD 0.00010 and 0.00011.
gnomAD v4.1: 174 of 1,614,038 alleles (0.011%); highest among the groups gnomAD compares: Middle Eastern, 0.016%; no homozygotes.

Submissions (3):

CeGaT Center for Human Genetics Tuebingen
Classification: Likely benign. Last evaluated: 2026-01-01. Review status: criteria provided, single submitter. Criteria: CeGaT Center For Human Genetics Tuebingen Variant Classification Criteria Version 2. Collection method: clinical testing. Allele origin: germline. Affected: yes. Observed: 1 variant allele.
Comment: PRPF8: BP4, BP7

Labcorp Genetics (formerly Invitae), Labcorp
Classification: Likely benign. Last evaluated: 2025-07-27. Review status: criteria provided, single submitter. Criteria: Invitae Variant Classification Sherloc (09022015). Collection method: clinical testing. Allele origin: germline.

Blueprint Genetics
Classification: Likely benign. Last evaluated: 2023-04-13. Review status: criteria provided, single submitter. Criteria: ACMG Guidelines, 2015. Collection method: clinical testing. Allele origin: germline.

NM_006445.4(PRPF8):c.5763C>T (p.Asp1921=)

Gene: PRPF8 (pre-mRNA processing factor 8; minus strand). Cytogenetic location: 17p13.3.
Variant type: single nucleotide variant.
Coding change: c.5763C>T on transcript NM_006445.4 (MANE Select); coding-DNA position 5763, C replaced by T.
Protein change: p.Asp1921=; no amino-acid change (aspartic acid 1921 retained).
Molecular consequence: synonymous variant.
Genome position (GRCh38, 1-based): chr17:1,656,422, G>A on the plus strand (C>T on the coding strand, the complement: PRPF8 is on the minus strand). VCF-style: chr17-1656422-G-A. GRCh37 (hg19) VCF-style: chr17-1559716-G-A.
Identifiers: ClinVar variation 1568611 (VCV001568611.13), dbSNP rs754219198, ClinGen allele CA8271353.